The following is an entry in ClinVar:

ClinVar aggregate classification (germline): Uncertain significance. Review status: criteria provided, multiple submitters, no conflicts (2 of 4 stars). 4 submissions from 4 submitters: Uncertain significance (4). Last evaluated 2023-02-10.

Conditions:
Primary dilated cardiomyopathy (DCM). Also called: Dilated Cardiomyopathy. Identifiers: Orphanet 217604, MedGen C0007193, MeSH D002311, MONDO:0005021, HP:0001644. Inheritance: Various modes of inheritance.
Cardiomyopathy (CMYO). Also called: Cardiomyopathies. Identifiers: Orphanet 167848, MedGen C0878544, MONDO:0004994, HP:0001638. Inheritance: Various modes of inheritance.
Charcot-Marie-Tooth disease type 2. Also called: Charcot-Marie-Tooth type 2. Identifiers: Orphanet 64746, MedGen C0270914, MONDO:0018993.

Submissions (4):

All of Us Research Program, National Institutes of Health
Classification: Uncertain significance for Primary dilated cardiomyopathy. Last evaluated: 2023-02-10. Review status: criteria provided, single submitter. Criteria: ACMG Guidelines, 2015. Collection method: clinical testing. Allele origin: germline. Inheritance: Autosomal dominant inheritance. Observed: 1 variant allele, 1 heterozygote.
Comment: This missense variant replaces alanine with threonine at codon 9 of the lamin A/C proteins. Computational prediction suggests that this variant may not impact protein structure and function (internally defined REVEL score threshold <= 0.5, PMID: 27666373). To our knowledge, functional studies have not been reported for this variant. This variant has not been reported in individuals affected with cardiovascular disorders in the literature. This variant has not been identified in the general population by the Genome Aggregation Database (gnomAD). The available evidence is insufficient to determine the role of this variant in disease conclusively. Therefore, this variant is classified as a Variant of Uncertain Significance.

This study involves interpretation of variants in research participants for the purpose of population health screening. Participant phenotype was not available at the time of variant classification. Additional details can be found in publication PMID: 35346344, PMCID: PMC8962531

Color Diagnostics, LLC DBA Color Health
Classification: Uncertain significance for Cardiomyopathy. Last evaluated: 2022-05-10. Review status: criteria provided, single submitter. Criteria: ACMG Guidelines, 2015. Collection method: clinical testing. Allele origin: germline.
Comment: This missense variant replaces alanine with threonine at codon 9 of the lamin A/C proteins. Computational prediction suggests that this variant may not impact protein structure and function (internally defined REVEL score threshold <= 0.5, PMID: 27666373). To our knowledge, functional studies have not been reported for this variant. This variant has not been reported in individuals affected with cardiovascular disorders in the literature. This variant has not been identified in the general population by the Genome Aggregation Database (gnomAD). The available evidence is insufficient to determine the role of this variant in disease conclusively. Therefore, this variant is classified as a Variant of Uncertain Significance.

Labcorp Genetics (formerly Invitae), Labcorp
Classification: Uncertain significance for Charcot-Marie-Tooth disease type 2. Last evaluated: 2021-12-27. Review status: criteria provided, single submitter. Criteria: Invitae Variant Classification Sherloc (09022015). Collection method: clinical testing. Allele origin: germline.
Comment: This variant is not present in population databases (gnomAD no frequency). This sequence change replaces alanine, which is neutral and non-polar, with threonine, which is neutral and polar, at codon 9 of the LMNA protein (p.Ala9Thr). This variant has not been reported in the literature in individuals affected with LMNA-related conditions. In summary, the available evidence is currently insufficient to determine the role of this variant in disease. Therefore, it has been classified as a Variant of Uncertain Significance. Algorithms developed to predict the effect of missense changes on protein structure and function are either unavailable or do not agree on the potential impact of this missense change (SIFT: "Deleterious"; PolyPhen-2: "Benign"; Align-GVGD: "Class C55").

Revvity Omics, Revvity
Classification: Uncertain significance. Last evaluated: 2021-08-26. Review status: criteria provided, single submitter. Criteria: ACMG Guidelines, 2015. Collection method: clinical testing. Allele origin: germline.

NM_170707.4(LMNA):c.25G>A (p.Ala9Thr)

Genes: LMNA (lamin A/C; plus strand), LOC129931597 (ATAC-STARR-seq lymphoblastoid silent region 1421; plus strand). Cytogenetic location: 1q22.
Variant type: single nucleotide variant.
Coding change: c.25G>A on transcript NM_170707.4 (MANE Select); coding-DNA position 25, G replaced by A.
Protein change: p.Ala9Thr; replaces alanine 9 with threonine.
Molecular consequence: missense variant.
Genome position (GRCh38, 1-based): chr1:156,114,943, G>A. VCF-style: chr1-156114943-G-A. GRCh37 (hg19) VCF-style: chr1-156084734-G-A.
Other names: c.25G>A, p.Ala9Thr (NM_001282625.2, NM_001282626.2, NM_001406983.1 and 6 more transcripts); c.-399G>A (NM_001406986.1); c.-377G>A (NM_001406990.1, NM_001406995.1, NM_001407002.1); c.-640G>A (NM_001406994.1, NM_001407000.1); c.-820G>A (NM_001406999.1); c.-483G>A (NM_001407001.1); short protein forms A9T.
Identifiers: ClinVar variation 2140137 (VCV002140137.9), dbSNP rs2527829229, ClinGen allele CA342806038.